The following is an entry in ClinVar:

NM_021922.3(FANCE):c.2T>C (p.Met1Thr)

Genes: FANCE (FA complementation group E; plus strand), LOC129996245 (ATAC-STARR-seq lymphoblastoid silent region 17092; plus strand). Cytogenetic location: 6p21.31.
Variant type: single nucleotide variant.
Coding change: c.2T>C on transcript NM_021922.3 (MANE Select); coding-DNA position 2, T replaced by C.
Protein change: p.Met1Thr; changes the start codon (methionine 1).
Molecular consequence: missense variant, initiator codon variant.
Genome position (GRCh38, 1-based): chr6:35,452,547, T>C. VCF-style: chr6-35452547-T-C. GRCh37 (hg19) VCF-style: chr6-35420324-T-C.
Other names: c.2T>C (NM_021922.2); short protein forms M1T.
Identifiers: ClinVar variation 1060674 (VCV001060674.11), dbSNP rs1462766132, ClinGen allele CA363769608.

ClinVar aggregate classification (germline): Conflicting classifications of pathogenicity. Review status: criteria provided, conflicting classifications (1 of 4 stars). 3 submissions from 3 submitters: Likely pathogenic (2); Uncertain significance (1). Last evaluated 2024-06-14.

Conditions:
Fanconi anemia (FA). Also called: Fanconi's anemia. Identifiers: Orphanet 84, MedGen C0015625, MeSH D005199, MONDO:0019391.
Fanconi anemia complementation group E (FANCE). Also called: FANCE-Related Fanconi Anemia. Identifiers: Orphanet 84, MedGen C3160739, MONDO:0010953, OMIM 600901.

Allele frequency attached by ClinVar (database versions not stated): gnomAD exomes below 0.00001.

Submissions (3):

Fulgent Genetics
Classification: Likely pathogenic for Fanconi anemia complementation group E. Last evaluated: 2024-06-14. Review status: criteria provided, single submitter. Criteria: ACMG Guidelines, 2015. Collection method: clinical testing. Allele origin: germline.

Labcorp Genetics (formerly Invitae), Labcorp
Classification: Uncertain significance for Fanconi anemia complementation group E. Last evaluated: 2024-01-29. Review status: criteria provided, single submitter. Criteria: Invitae Variant Classification Sherloc (09022015). Collection method: clinical testing. Allele origin: germline.
Comment: This sequence change affects the initiator methionine of the FANCE mRNA. The next in-frame methionine is located at codon 99. This variant is present in population databases (no rsID available, gnomAD 0.007%). Disruption of the initiator codon has been observed in individual(s) with clinical features of FANCE-related conditions (PMID: 33084842). ClinVar contains an entry for this variant (Variation ID: 1060674). Experimental studies and prediction algorithms are not available or were not evaluated, and the functional significance of this variant is currently unknown. In summary, the available evidence is currently insufficient to determine the role of this variant in disease. Therefore, it has been classified as a Variant of Uncertain Significance.

Women's Health and Genetics/Laboratory Corporation of America, LabCorp
Classification: Likely pathogenic for Fanconi anemia. Last evaluated: 2023-01-04. Review status: criteria provided, single submitter. Criteria: LabCorp Variant Classification Summary - May 2015. Collection method: clinical testing. Allele origin: germline.
Comment: Variant summary: FANCE c.2T>C (p.Met1Thr) alters the initiation codon and is predicted to result either in absence of the protein or truncation of the encoded protein due to translation initiation at a downstream codon. One of two in-silico tools predict a benign effect of the variant on protein function. The variant was absent in 53280 control chromosomes. Alternatively, N-terminal truncation or extension of the encoded protein can also occur due to translation initiation at an alternative initiation codon. The next downstream in-frame initiation codon is at Met 99. Activation of the potential downstream translation initiation site would result in a shortened protein missing the first 98 amino acids from the protein sequence. Other pathogenic variants have been reported upstream of this alternate codon (e.g. p.Gln31Ter, p.Arg89Ter; ClinVar and HGMD). The available data on variant occurrences in the general population are insufficient to allow any conclusion about variant significance. To our knowledge, no occurrence of c.2T>C in individuals affected with Fanconi Anemia and no experimental evidence demonstrating its impact on protein function have been reported. One clinical diagnostic laboratory has submitted clinical-significance assessments for this variant to ClinVar after 2014 without evidence for independent evaluation. One laboratory classified the variant as uncertain significance. Based on the evidence outlined above, the variant was classified as likely pathogenic.

Literature cited by the submitters: PubMed 33084842 (cited by Labcorp Genetics (formerly Invitae), Labcorp and Women's Health and Genetics/Laboratory Corporation of America, LabCorp).